The following is an entry in ClinVar:

ClinVar aggregate classification (germline): Likely benign (1 of 4 stars; one submission).

Submission:

GeneDx
Classification: Likely benign. Last evaluated: 2017-07-17. Review status: criteria provided, single submitter. Criteria: GeneDx Variant Classification (06012015). Collection method: clinical testing. Allele origin: germline. Affected: yes.
Comment: This variant is considered likely benign or benign based on one or more of the following criteria: it is a conservative change, it occurs at a poorly conserved position in the protein, it is predicted to be benign by multiple in silico algorithms, and/or has population frequency not consistent with disease.

NM_058195.4(CDKN2A):c.16T>C (p.Leu6=)

Gene: CDKN2A (cyclin dependent kinase inhibitor 2A; minus strand). Cytogenetic location: 9p21.3.
Variant type: single nucleotide variant.
Coding change: c.16T>C on transcript NM_058195.4 (MANE Plus Clinical); coding-DNA position 16, T replaced by C.
Protein change: p.Leu6=; no amino-acid change (leucine 6 retained).
Molecular consequence: synonymous variant. On other transcripts: intron variant (1).
Genome position (GRCh38, 1-based): chr9:21,994,316, A>G on the plus strand (T>C on the coding strand, the complement: CDKN2A is on the minus strand). VCF-style: chr9-21994316-A-G. GRCh37 (hg19) VCF-style: chr9-21994315-A-G.
Other names: c.-4+505T>C (NM_001363763.2).
Identifiers: ClinVar variation 510869 (VCV000510869.3), dbSNP rs1554659245, ClinGen allele CA464100387.